The following is an entry in ClinVar:

NM_004963.4(GUCY2C):c.959A>G (p.Asp320Gly)

Genes: GUCY2C (guanylate cyclase 2C; minus strand), GUCY2C-AS1 (GUCY2C antisense RNA 1; plus strand). Cytogenetic location: 12p12.3.
Variant type: single nucleotide variant.
Coding change: c.959A>G on transcript NM_004963.4 (MANE Select); coding-DNA position 959, A replaced by G.
Protein change: p.Asp320Gly; replaces aspartic acid 320 with glycine.
Molecular consequence: missense variant.
Genome position (GRCh38, 1-based): chr12:14,674,750, T>C on the plus strand (A>G on the coding strand, the complement: GUCY2C is on the minus strand). VCF-style: chr12-14674750-T-C. GRCh37 (hg19) VCF-style: chr12-14827684-T-C.
Other names: short protein forms D320G.
Identifiers: ClinVar variation 3700723 (VCV003700723.2).
Genomic context (GRCh38, chr12:14,674,750, plus strand): 5'-AGAAATATCTTCAGCATATGTCCAAAGAGCAGGATTCCATTCAAATAGGCAAGAGCAAAG[T>C]CTCGTTTTGTCTAAATAAAAAAGGAAAATATTAAAACGGGTCCTTCAAAAAAGAATCTTG-3'
Protein context (NP_004954.2, residues 310-330): FSRNLSPTKR[Asp320Gly]FALAYLNGIL

ClinVar aggregate classification (germline): Uncertain significance (1 of 4 stars; one submission).

Submission:

Labcorp Genetics (formerly Invitae), Labcorp
Classification: Uncertain significance. Last evaluated: 2024-05-23. Review status: criteria provided, single submitter. Criteria: Invitae Variant Classification Sherloc (09022015). Collection method: clinical testing. Allele origin: germline.
Comment: This sequence change replaces aspartic acid, which is acidic and polar, with glycine, which is neutral and non-polar, at codon 320 of the GUCY2C protein (p.Asp320Gly). This variant is not present in population databases (gnomAD no frequency). This variant has not been reported in the literature in individuals affected with GUCY2C-related conditions. Advanced modeling of protein sequence and biophysical properties (such as structural, functional, and spatial information, amino acid conservation, physicochemical variation, residue mobility, and thermodynamic stability) has been performed at Invitae for this missense variant, however the output from this modeling did not meet the statistical confidence thresholds required to predict the impact of this variant on GUCY2C protein function. In summary, the available evidence is currently insufficient to determine the role of this variant in disease. Therefore, it has been classified as a Variant of Uncertain Significance.